The following is an entry in ClinVar:

ClinVar aggregate classification (germline): Uncertain significance (1 of 4 stars; one submission).

Submission:

Ambry Genetics
Classification: Uncertain significance. Last evaluated: 2022-10-04. Review status: criteria provided, single submitter. Criteria: Ambry Variant Classification Scheme 2023. Collection method: clinical testing. Allele origin: germline.
Comment: The p.K243Q variant (also known as c.727A>C), located in coding exon 5 of the POLQ gene, results from an A to C substitution at nucleotide position 727. The lysine at codon 243 is replaced by glutamine, an amino acid with similar properties. This amino acid position is conserved. In addition, this alteration is predicted to be tolerated by in silico analysis. Since supporting evidence is limited at this time, the clinical significance of this alteration remains unclear.

NM_199420.4(POLQ):c.727A>C (p.Lys243Gln)

Gene: POLQ (DNA polymerase theta; minus strand). Cytogenetic location: 3q13.33.
Variant type: single nucleotide variant.
Coding change: c.727A>C on transcript NM_199420.4 (MANE Select); coding-DNA position 727, A replaced by C.
Protein change: p.Lys243Gln; replaces lysine 243 with glutamine.
Molecular consequence: missense variant.
Genome position (GRCh38, 1-based): chr3:121,537,113, T>G on the plus strand (A>C on the coding strand, the complement: POLQ is on the minus strand). VCF-style: chr3-121537113-T-G. GRCh37 (hg19) VCF-style: chr3-121255960-T-G.
Other names: short protein forms K243Q.
Identifiers: ClinVar variation 1758042 (VCV001758042.2), dbSNP rs2546822661, ClinGen allele CA354090355.